The following is an entry in ClinVar:

ClinVar aggregate classification (germline): Uncertain significance (1 of 4 stars; one submission).

Allele frequency attached by ClinVar (database versions not stated): ExAC 0.00001; gnomAD 0.00001; gnomAD exomes 0.00001; TOPMed 0.00001.
gnomAD v4.1: 7 of 1,613,420 alleles (0.00043%); highest among the groups gnomAD compares: Non-Finnish European, 0.00059%; no homozygotes.

Submission:

Ambry Genetics
Classification: Uncertain significance. Last evaluated: 2023-01-16. Review status: criteria provided, single submitter. Criteria: Ambry Variant Classification Scheme 2023. Collection method: clinical testing. Allele origin: germline.
Comment: The p.A1387T variant (also known as c.4159G>A), located in coding exon 4 of the ALPK2 gene, results from a G to A substitution at nucleotide position 4159. The alanine at codon 1387 is replaced by threonine, an amino acid with similar properties. This amino acid position is conserved. In addition, this alteration is predicted to be tolerated by in silico analysis. Since supporting evidence is limited at this time, the clinical significance of this alteration remains unclear.

NM_052947.4(ALPK2):c.4159G>A (p.Ala1387Thr)

Genes: ALPK2 (alpha kinase 2; minus strand), LOC126862764 (BRD4-independent group 4 enhancer GRCh37_chr18:56202574-56203773; plus strand). Cytogenetic location: 18q21.31.
Variant type: single nucleotide variant.
Coding change: c.4159G>A on transcript NM_052947.4 (MANE Select); coding-DNA position 4159, G replaced by A.
Protein change: p.Ala1387Thr; replaces alanine 1387 with threonine.
Molecular consequence: missense variant.
Genome position (GRCh38, 1-based): chr18:58,536,028, C>T on the plus strand (G>A on the coding strand, the complement: ALPK2 is on the minus strand). VCF-style: chr18-58536028-C-T. GRCh37 (hg19) VCF-style: chr18-56203260-C-T.
Other names: short protein forms A1387T.
Identifiers: ClinVar variation 3228722 (VCV003228722.1), dbSNP rs762303089, ClinGen allele CA8976762.